The following is an entry in ClinVar:

NM_005359.6(SMAD4):c.1447+10C>T

Gene: SMAD4 (SMAD family member 4; plus strand). Cytogenetic location: 18q21.2.
Variant type: single nucleotide variant.
Coding change: c.1447+10C>T on transcript NM_005359.6 (MANE Select); 10 bases into the intron after coding-DNA position 1447, C replaced by T.
Molecular consequence: intron variant.
Genome position (GRCh38, 1-based): chr18:51,076,786, C>T. VCF-style: chr18-51076786-C-T. GRCh37 (hg19) VCF-style: chr18-48603156-C-T.
Identifiers: ClinVar variation 2091990 (VCV002091990.5), dbSNP rs2144474920, ClinGen allele CA402465414.

ClinVar aggregate classification (germline): Likely benign. Review status: criteria provided, multiple submitters, no conflicts (2 of 4 stars). 2 submissions from 2 submitters: Likely benign (2). Last evaluated 2025-03-24.

Conditions:
Juvenile polyposis syndrome (JPS). Identifiers: Orphanet 2929, MedGen C0345893, MONDO:0017380, OMIM 174900.
Juvenile polyposis/hereditary hemorrhagic telangiectasia syndrome (JPHT). Also called: JP/HHT SYNDROME; JUVENILE POLYPOSIS WITH HEREDITARY HEMORRHAGIC TELANGIECTASIA; POLYPOSIS, GENERALIZED JUVENILE, WITH PULMONARY ARTERIOVENOUS MALFORMATION; TELANGIECTASIA, HEREDITARY HEMORRHAGIC, WITH JUVENILE POLYPOSIS COLI; Juvenile Polyposis Syndrome / Hereditary Hemorrhagic Telangiectasia (JPS/HHT). Identifiers: Orphanet 2929, MedGen C1832942, MONDO:0008278, OMIM 175050.

Allele frequency attached by ClinVar (database versions not stated): gnomAD exomes below 0.00001.
gnomAD v4.1: 1 of 1,590,212 alleles (0.000063%); highest among the groups gnomAD compares: Non-Finnish European, 0.000086%; no homozygotes.

Submissions (2):

Myriad Genetics, Inc.
Classification: Likely benign for Juvenile polyposis/hereditary hemorrhagic telangiectasia syndrome. Last evaluated: 2025-03-24. Review status: criteria provided, single submitter. Criteria: Myriad Autosomal Dominant, Autosomal Recessive and X-Linked Classification Criteria (2023). Collection method: clinical testing. Allele origin: unknown.
Comment: This variant is considered likely benign. This variant is intronic and is not expected to impact mRNA splicing.

Labcorp Genetics (formerly Invitae), Labcorp
Classification: Likely benign for Juvenile polyposis syndrome. Last evaluated: 2022-02-02. Review status: criteria provided, single submitter. Criteria: Invitae Variant Classification Sherloc (09022015). Collection method: clinical testing. Allele origin: germline.